The following is an entry in ClinVar:

ClinVar aggregate classification (germline): Uncertain significance. Review status: criteria provided, multiple submitters, no conflicts (2 of 4 stars). 4 submissions from 4 submitters: Uncertain significance (4). Last evaluated 2025-11-27.

gnomAD v4.1: 6 of 1,613,674 alleles (0.00037%); highest among the groups gnomAD compares: Admixed American, 0.0017%; no homozygotes.

Submissions (4):

Dasa
Classification: Uncertain significance. Last evaluated: 2025-11-27. Review status: criteria provided, single submitter. Criteria: DASA Assertion Criteria. Collection method: clinical testing. Allele origin: germline.
Comment: NM_001145809.2(MYH14):c.5629C>T (p.Leu1877Phe) is a missense variant that results in the substitution of leucine with phenylalanine. This variant is rare in population databases. Computational prediction algorithms are consistent with a deleterious effect. The currently available literature and clinical evidence are not sufficient to establish a definitive association between this variant and the reported condition. Therefore, this variant is classified as a variant of uncertain significance.

Labcorp Genetics (formerly Invitae), Labcorp
Classification: Uncertain significance. Last evaluated: 2025-08-16. Review status: criteria provided, single submitter. Criteria: Invitae Variant Classification Sherloc (09022015). Collection method: clinical testing. Allele origin: germline.
Comment: This sequence change replaces leucine, which is neutral and non-polar, with phenylalanine, which is neutral and non-polar, at codon 1836 of the MYH14 protein (p.Leu1836Phe). This variant is present in population databases (no rsID available, gnomAD 0.0009%). This variant has not been reported in the literature in individuals affected with MYH14-related conditions. ClinVar contains an entry for this variant (Variation ID: 3364136). Invitae Evidence Modeling of protein sequence and biophysical properties (such as structural, functional, and spatial information, amino acid conservation, physicochemical variation, residue mobility, and thermodynamic stability) indicates that this missense variant is expected to disrupt MYH14 protein function with a positive predictive value of 80%. In summary, the available evidence is currently insufficient to determine the role of this variant in disease. Therefore, it has been classified as a Variant of Uncertain Significance.

Women's Health and Genetics/Laboratory Corporation of America, LabCorp
Classification: Uncertain significance. Last evaluated: 2024-12-03. Review status: criteria provided, single submitter. Criteria: LabCorp Variant Classification Summary - May 2015. Collection method: clinical testing. Allele origin: germline.
Comment: Variant summary: MYH14 c.5506C>T (p.Leu1836Phe) results in a non-conservative amino acid change located in the Myosin tail domain (IPR002928) of the encoded protein sequence. Five of five in-silico tools predict a damaging effect of the variant on protein function. The variant allele was found at a frequency of 4e-06 in 248390 control chromosomes. The available data on variant occurrences in the general population are insufficient to allow any conclusion about variant significance. To our knowledge, no occurrence of c.5506C>T in individuals affected with Autosomal dominant nonsyndromic hearing loss 4A and no experimental evidence demonstrating its impact on protein function have been reported. ClinVar contains an entry for this variant (Variation ID: 3364136). Based on the evidence outlined above, the variant was classified as uncertain significance.

GeneDx
Classification: Uncertain significance. Last evaluated: 2023-11-14. Review status: criteria provided, single submitter. Criteria: GeneDx Variant Classification Process June 2021. Collection method: clinical testing. Allele origin: germline. Affected: yes.
Comment: Not observed at significant frequency in large population cohorts (gnomAD); In silico analysis supports that this missense variant has a deleterious effect on protein structure/function; Has not been previously published as pathogenic or benign to our knowledge

NM_001145809.2(MYH14):c.5629C>T (p.Leu1877Phe)

Gene: MYH14 (myosin heavy chain 14; plus strand). Cytogenetic location: 19q13.33.
Variant type: single nucleotide variant.
Coding change: c.5629C>T on transcript NM_001145809.2 (MANE Select); coding-DNA position 5629, C replaced by T.
Protein change: p.Leu1877Phe; replaces leucine 1877 with phenylalanine.
Molecular consequence: missense variant.
Genome position (GRCh38, 1-based): chr19:50,301,820, C>T. VCF-style: chr19-50301820-C-T. GRCh37 (hg19) VCF-style: chr19-50805077-C-T.
Other names: c.5530C>T, p.Leu1844Phe (NM_001077186.2); c.5506C>T, p.Leu1836Phe (NM_024729.4); short protein forms L1836F, L1844F, L1877F.
Identifiers: ClinVar variation 3364136 (VCV003364136.5).